The following is an entry in ClinVar:

ClinVar aggregate classification (germline): Uncertain significance (1 of 4 stars; one submission).

Conditions:
Peutz-Jeghers syndrome (PJS). Also called: Peutz-Jeghers polyposis; Periorificial lentiginosis syndrome; POLYPOSIS, HAMARTOMATOUS INTESTINAL; POLYPS-AND-SPOTS SYNDROME. Identifiers: Orphanet 2869, MedGen C0031269, MeSH D010580, MONDO:0008280, OMIM 175200.

Submission:

Labcorp Genetics (formerly Invitae), Labcorp
Classification: Uncertain significance for Peutz-Jeghers syndrome. Last evaluated: 2018-01-20. Review status: criteria provided, single submitter. Criteria: Invitae Variant Classification Sherloc (09022015). Collection method: clinical testing. Allele origin: germline.
Comment: In summary, the available evidence is currently insufficient to determine the role of this variant in disease. Therefore, it has been classified as a Variant of Uncertain Significance. Algorithms developed to predict the effect of missense changes on protein structure and function (SIFT, PolyPhen-2, Align-GVGD) all suggest that this variant is likely to be disruptive, but these predictions have not been confirmed by published functional studies and their clinical significance is uncertain. This variant has not been reported in the literature in individuals with STK11-related disease. This variant is not present in population databases (ExAC no frequency). This sequence change replaces glutamine with arginine at codon 137 of the STK11 protein (p.Gln137Arg). The glutamine residue is highly conserved and there is a small physicochemical difference between glutamine and arginine.

NM_000455.5(STK11):c.410A>G (p.Gln137Arg)

Gene: STK11 (serine/threonine kinase 11; plus strand). Cytogenetic location: 19p13.3.
Variant type: single nucleotide variant.
Coding change: c.410A>G on transcript NM_000455.5 (MANE Select); coding-DNA position 410, A replaced by G.
Protein change: p.Gln137Arg; replaces glutamine 137 with arginine.
Molecular consequence: missense variant.
Genome position (GRCh38, 1-based): chr19:1,219,359, A>G. VCF-style: chr19-1219359-A-G. GRCh37 (hg19) VCF-style: chr19-1219358-A-G.
Other names: short protein forms Q137R.
Identifiers: ClinVar variation 569148 (VCV000569148.8), dbSNP rs1568705439, ClinGen allele CA402948211.